The following is an entry in ClinVar:

NM_002382.5(MAX):c.3G>C (p.Met1Ile)

Genes: MAX (MYC associated transcriptional regulator X; minus strand), LOC130055850 (ATAC-STARR-seq lymphoblastoid silent region 5847; plus strand). Cytogenetic location: 14q23.3.
Variant type: single nucleotide variant.
Coding change: c.3G>C on transcript NM_002382.5 (MANE Select); coding-DNA position 3, G replaced by C.
Protein change: p.Met1Ile; changes the start codon (methionine 1).
Molecular consequence: missense variant, initiator codon variant. On other transcripts: 5 prime UTR variant (2), intron variant (2).
Genome position (GRCh38, 1-based): chr14:65,102,337, C>G on the plus strand (G>C on the coding strand, the complement: MAX is on the minus strand). VCF-style: chr14-65102337-C-G. GRCh37 (hg19) VCF-style: chr14-65569055-C-G.
Other names: c.3G>C, p.Met1Ile (NM_001271068.2, NM_001271069.2, NM_001407094.1 and 18 more transcripts); c.-272G>C (NM_001320415.2); c.-245G>C (NM_001407107.1); c.-305+172G>C (NM_001407112.1); c.-239+172G>C (NM_001407106.1); short protein forms M1I.
Identifiers: ClinVar variation 4052118 (VCV004052118.1).

ClinVar aggregate classification (germline): Pathogenic (1 of 4 stars; one submission).

Conditions:
Hereditary cancer-predisposing syndrome. Also called: Neoplastic Syndromes, Hereditary; Tumor predisposition; Hereditary neoplastic syndrome; Hereditary Cancer Syndrome. Identifiers: Orphanet 140162, MedGen C0027672, MeSH D009386, MONDO:0015356.

Submission:

Ambry Genetics
Classification: Pathogenic for Hereditary cancer-predisposing syndrome. Last evaluated: 2025-05-05. Review status: criteria provided, single submitter. Criteria: Ambry Variant Classification Scheme 2023. Collection method: clinical testing. Allele origin: germline.
Comment: The p.M1? pathogenic mutation (also known as c.3G>C) is located in coding exon 1 of the MAX gene and results from a G to C substitution at nucleotide position 3. This alters the methionine residue at the initiation codon (ATG). This variant is considered to be rare based on population cohorts in the Genome Aggregation Database (gnomAD). Sequence variations that modify the initiation codon are expected to result in either loss of translation initiation, N-terminal truncation, or cause a shift in the mRNA reading frame. Based on the supporting evidence, this variant is interpreted as a disease-causing mutation.